The following is an entry in ClinVar:

NM_024408.4(NOTCH2):c.6344G>A (p.Ser2115Asn)

Gene: NOTCH2 (notch receptor 2; minus strand). Cytogenetic location: 1p12.
Variant type: single nucleotide variant.
Coding change: c.6344G>A on transcript NM_024408.4 (MANE Select); coding-DNA position 6344, G replaced by A.
Protein change: p.Ser2115Asn; replaces serine 2115 with asparagine.
Molecular consequence: missense variant.
Genome position (GRCh38, 1-based): chr1:119,916,378, C>T on the plus strand (G>A on the coding strand, the complement: NOTCH2 is on the minus strand). VCF-style: chr1-119916378-C-T. GRCh37 (hg19) VCF-style: chr1-120459001-C-T.
Other names: c.6344G>A (NM_024408.3); short protein forms S2115N.
Identifiers: ClinVar variation 595188 (VCV000595188.7), dbSNP rs1557802288, ClinGen allele CA341878627.

ClinVar aggregate classification (germline): Uncertain significance. Review status: criteria provided, multiple submitters, no conflicts (2 of 4 stars). 2 submissions from 2 submitters: Uncertain significance (2). Last evaluated 2026-02-17.

Conditions:
NOTCH2-related disorder. Also called: NOTCH2-related condition.

Submissions (2):

PreventionGenetics, part of Exact Sciences
Classification: Uncertain significance for NOTCH2-related condition. Last evaluated: 2026-02-17. Review status: criteria provided, single submitter. Criteria: ACMG Guidelines, 2015. Collection method: clinical testing. Allele origin: germline.
Comment: The NOTCH2 c.6344G>A variant is predicted to result in the amino acid substitution p.Ser2115Asn. To our knowledge, this variant has not been reported in the literature or in a large population database, indicating this variant is rare. At this time, the clinical significance of this variant is uncertain due to the absence of conclusive functional and genetic evidence.

Eurofins Ntd Llc (ga)
Classification: Uncertain significance. Last evaluated: 2017-11-29. Review status: criteria provided, single submitter. Criteria: EGL Classification Definitions 2015. Collection method: clinical testing. Allele origin: germline. Observed: 1 variant allele, 1 heterozygote.